The following is an entry in ClinVar:

ClinVar aggregate classification (germline): Uncertain significance. Review status: criteria provided, multiple submitters, no conflicts (2 of 4 stars). 2 submissions from 2 submitters: Uncertain significance (2). Last evaluated 2025-08-20.

Allele frequency attached by ClinVar (database versions not stated): 1000 Genomes Project 0.00020; 1000 Genomes Project 30x 0.00031.
gnomAD v4.1: 4 of 1,613,894 alleles (0.00025%); highest among the groups gnomAD compares: Admixed American, 0.0067%; no homozygotes.

Submissions (2):

Ambry Genetics
Classification: Uncertain significance. Last evaluated: 2025-08-20. Review status: criteria provided, single submitter. Criteria: Ambry Variant Classification Scheme 2023. Collection method: clinical testing. Allele origin: germline.

Labcorp Genetics (formerly Invitae), Labcorp
Classification: Uncertain significance. Last evaluated: 2025-06-08. Review status: criteria provided, single submitter. Criteria: Invitae Variant Classification Sherloc (09022015). Collection method: clinical testing. Allele origin: germline.
Comment: This sequence change replaces glycine, which is neutral and non-polar, with valine, which is neutral and non-polar, at codon 32 of the RFWD3 protein (p.Gly32Val). This variant is present in population databases (rs533062966, gnomAD 0.006%). This variant has not been reported in the literature in individuals affected with RFWD3-related conditions. ClinVar contains an entry for this variant (Variation ID: 1971469). An algorithm developed to predict the effect of missense changes on protein structure and function (PolyPhen-2) suggests that this variant is likely to be tolerated. In summary, the available evidence is currently insufficient to determine the role of this variant in disease. Therefore, it has been classified as a Variant of Uncertain Significance.

NM_018124.4(RFWD3):c.95G>T (p.Gly32Val)

Gene: RFWD3 (ring finger and WD repeat domain 3; minus strand). Cytogenetic location: 16q23.1.
Variant type: single nucleotide variant.
Coding change: c.95G>T on transcript NM_018124.4 (MANE Select); coding-DNA position 95, G replaced by T.
Protein change: p.Gly32Val; replaces glycine 32 with valine.
Molecular consequence: missense variant. On other transcripts: 5 prime UTR variant (4), intron variant (1).
Genome position (GRCh38, 1-based): chr16:74,661,355, C>A on the plus strand (G>T on the coding strand, the complement: RFWD3 is on the minus strand). VCF-style: chr16-74661355-C-A. GRCh37 (hg19) VCF-style: chr16-74695253-C-A.
Other names: c.95G>T, p.Gly32Val (NM_001370534.1, NM_001370535.1, NM_001370536.1); c.-914G>T (NM_001370537.1); c.-537G>T (NM_001370539.1, NM_001370541.1); c.-791G>T (NM_001370542.1); c.-669G>T (NM_001370543.1); c.-317+3269G>T (NM_001370540.1); c.95G>T (NM_018124.3); short protein forms G32V.
Identifiers: ClinVar variation 1971469 (VCV001971469.6), dbSNP rs533062966, ClinGen allele CA8169652.
Genomic context (GRCh38, chr16:74,661,355, plus strand): 5'-ATGGATGGTACCCCCTGGCTGCTGACCACATCAGCAGGAACAGGCTGGAGGAGGGCTGGT[C>A]CCCCTTGGCTGCTGGCCATGCCAGCAGGAGCTGGCTGTTGTTCGGCATGATTTAACTGCA-3'
Protein context (NP_060594.3, residues 22-42): APAGMASSQG[Gly32Val]PALLQPVPAD